The following is an entry in ClinVar:

NM_002691.4(POLD1):c.1606G>C (p.Ala536Pro)

Gene: POLD1 (DNA polymerase delta 1, catalytic subunit; plus strand). Cytogenetic location: 19q13.33.
Variant type: single nucleotide variant.
Coding change: c.1606G>C on transcript NM_002691.4 (MANE Select); coding-DNA position 1606, G replaced by C.
Protein change: p.Ala536Pro; replaces alanine 536 with proline.
Molecular consequence: missense variant. On other transcripts: non-coding transcript variant (1).
Genome position (GRCh38, 1-based): chr19:50,407,094, G>C. VCF-style: chr19-50407094-G-C. GRCh37 (hg19) VCF-style: chr19-50910351-G-C.
Other names: c.1606G>C, p.Ala536Pro (NM_001256849.1, NM_001308632.1); short protein forms A536P.
Identifiers: ClinVar variation 3781420 (VCV003781420.1).

ClinVar aggregate classification (germline): Uncertain significance (1 of 4 stars; one submission).

Conditions:
Hereditary cancer-predisposing syndrome. Also called: Neoplastic Syndromes, Hereditary; Hereditary Cancer Syndrome; Tumor predisposition; Hereditary neoplastic syndrome. Identifiers: Orphanet 140162, MedGen C0027672, MeSH D009386, MONDO:0015356.

Submission:

Ambry Genetics
Classification: Uncertain significance for Hereditary cancer-predisposing syndrome. Last evaluated: 2025-03-08. Review status: criteria provided, single submitter. Criteria: Ambry Variant Classification Scheme 2023. Collection method: clinical testing. Allele origin: germline.
Comment: The p.A536P variant (also known as c.1606G>C), located in coding exon 12 of the POLD1 gene, results from a G to C substitution at nucleotide position 1606. The alanine at codon 536 is replaced by proline, an amino acid with highly similar properties. This amino acid position is conserved. In addition, this alteration is predicted to be deleterious by in silico analysis. Based on the available evidence, the clinical significance of this variant remains unclear.